The following is an entry in ClinVar:

ClinVar aggregate classification (germline): Likely benign. Review status: criteria provided, multiple submitters, no conflicts (2 of 4 stars). 2 submissions from 2 submitters: Likely benign (2). Last evaluated 2025-03-13.

Conditions:
Pheochromocytoma. Also called: MAX-Related Hereditary Paraganglioma-Pheochromocytoma Syndrome. Identifiers: Orphanet 29072, MedGen C0031511, MONDO:0008233, OMIM 171300, HP:0002666.
Gastrointestinal stromal tumor. Also called: Gastrointestinal stroma tumor; Gastrointestinal stromal tumor, somatic. Identifiers: Orphanet 44890, MedGen C0238198, MeSH D046152, MONDO:0011719, OMIM 606764, HP:0100723.
Pheochromocytoma/paraganglioma syndrome 4. Also called: CAROTID BODY TUMORS AND MULTIPLE EXTRAADRENAL PHEOCHROMOCYTOMAS; PARAGANGLIOMA, FAMILIAL MALIGNANT; PARAGANGLIOMAS, HEREDITARY EXTRAADRENAL; PHEOCHROMOCYTOMA, FAMILIAL EXTRAADRENAL; Paragangliomas 4; SDHB-Related Hereditary Paraganglioma-Pheochromocytoma Syndrome (Paragangliomas 4). Identifiers: Orphanet 29072, MedGen C1861848, MONDO:0007273, OMIM 115310.

Allele frequency attached by ClinVar (database versions not stated): gnomAD 0.00001.
gnomAD v4.1: 1 of 1,585,746 alleles (0.000063%); highest among the groups gnomAD compares: Admixed American, 0.0017%; no homozygotes.

Submissions (2):

Myriad Genetics, Inc.
Classification: Likely benign for Pheochromocytoma/paraganglioma syndrome 4. Last evaluated: 2025-03-13. Review status: criteria provided, single submitter. Criteria: Myriad Autosomal Dominant, Autosomal Recessive and X-Linked Classification Criteria (2023). Collection method: clinical testing. Allele origin: unknown.
Comment: This variant is considered likely benign. This variant is intronic and is not expected to impact mRNA splicing.

Labcorp Genetics (formerly Invitae), Labcorp
Classification: Likely benign for Gastrointestinal stromal tumor; Pheochromocytoma/paraganglioma syndrome 4; Pheochromocytoma. Last evaluated: 2024-09-04. Review status: criteria provided, single submitter. Criteria: Invitae Variant Classification Sherloc (09022015). Collection method: clinical testing. Allele origin: germline.

NM_003000.3(SDHB):c.541-14T>C

Gene: SDHB (succinate dehydrogenase complex iron sulfur subunit B; minus strand). Cytogenetic location: 1p36.13.
Variant type: single nucleotide variant.
Coding change: c.541-14T>C on transcript NM_003000.3 (MANE Select); 14 bases into the intron before coding-DNA position 541, T replaced by C.
Molecular consequence: intron variant.
Genome position (GRCh38, 1-based): chr1:17,024,088, A>G on the plus strand (T>C on the coding strand, the complement: SDHB is on the minus strand). VCF-style: chr1-17024088-A-G. GRCh37 (hg19) VCF-style: chr1-17350583-A-G.
Identifiers: ClinVar variation 2201516 (VCV002201516.5), dbSNP rs2077978978, ClinGen allele CA999082566.